The following is an entry in ClinVar:

ClinVar aggregate classification (germline): Likely benign. Review status: criteria provided, single submitter (1 of 4 stars). 2 submissions from 2 submitters: Likely benign (1). 1 of the submissions does not count toward it. Last evaluated 2022-06-28.

Conditions:
KRT83-related disorder. Also called: KRT83-related condition.

Allele frequency attached by ClinVar (database versions not stated): gnomAD exomes 0.00002; TOPMed 0.00002; gnomAD 0.00003; ExAC 0.00004; 1000 Genomes Project 0.00020; 1000 Genomes Project 30x 0.00031.
gnomAD v4.1: 38 of 1,614,170 alleles (0.0024%); highest among the groups gnomAD compares: East Asian, 0.025%; no homozygotes.

Submissions (2):

Labcorp Genetics (formerly Invitae), Labcorp
Classification: Likely benign. Last evaluated: 2022-06-28. Review status: criteria provided, single submitter. Criteria: Invitae Variant Classification Sherloc (09022015). Collection method: clinical testing. Allele origin: germline.

PreventionGenetics, part of Exact Sciences
Classification: Likely benign for KRT83-related condition. Last evaluated: 2019-10-28. Review status: no assertion criteria provided. Collection method: clinical testing. Allele origin: germline. Not counted in ClinVar's aggregate classification.
Comment: This variant is classified as likely benign based on ACMG/AMP sequence variant interpretation guidelines (Richards et al. 2015 PMID: 25741868, with internal and published modifications).

NM_002282.3(KRT83):c.915+8G>T

Gene: KRT83 (keratin 83; minus strand). Cytogenetic location: 12q13.13.
Variant type: single nucleotide variant.
Coding change: c.915+8G>T on transcript NM_002282.3 (MANE Select); 8 bases into the intron after coding-DNA position 915, G replaced by T.
Molecular consequence: intron variant.
Genome position (GRCh38, 1-based): chr12:52,316,851, C>A on the plus strand (G>T on the coding strand, the complement: KRT83 is on the minus strand). VCF-style: chr12-52316851-C-A. GRCh37 (hg19) VCF-style: chr12-52710635-C-A.
Identifiers: ClinVar variation 2170529 (VCV002170529.6), dbSNP rs368610958, ClinGen allele CA6577477.